The following is an entry in ClinVar:

NM_001330260.2(SCN8A):c.485+18G>A

Gene: SCN8A (sodium voltage-gated channel alpha subunit 8; plus strand). Cytogenetic location: 12q13.13.
Variant type: single nucleotide variant.
Coding change: c.485+18G>A on transcript NM_001330260.2 (MANE Select); 18 bases into the intron after coding-DNA position 485, G replaced by A.
Molecular consequence: intron variant.
Genome position (GRCh38, 1-based): chr12:51,686,475, G>A. VCF-style: chr12-51686475-G-A. GRCh37 (hg19) VCF-style: chr12-52080259-G-A.
Other names: c.485+18G>A (NM_014191.4, NM_001177984.3, NM_001369788.1).
Identifiers: ClinVar variation 509291 (VCV000509291.9), dbSNP rs369368623, ClinGen allele CA236259741.

ClinVar aggregate classification (germline): Likely benign. Review status: criteria provided, multiple submitters, no conflicts (2 of 4 stars). 2 submissions from 2 submitters: Likely benign (2). Last evaluated 2024-04-01.

Conditions:
Early-infantile DEE. Also called: Ohtahara syndrome; Early infantile epileptic encephalopathy; Early infantile epileptic encephalopathy with suppression bursts. Identifiers: Orphanet 1934, MedGen C0393706, MONDO:0800491.

Allele frequency attached by ClinVar (database versions not stated): gnomAD exomes 0.00002 and 0.00003; gnomAD 0.00003; TOPMed 0.00003; ESP Exome Variant Server 0.00008.
gnomAD v4.1: 40 of 1,480,180 alleles (0.0027%); highest among the groups gnomAD compares: Non-Finnish European, 0.0035%; no homozygotes.

Submissions (2):

Labcorp Genetics (formerly Invitae), Labcorp
Classification: Likely benign for Early-infantile DEE. Last evaluated: 2024-04-01. Review status: criteria provided, single submitter. Criteria: Invitae Variant Classification Sherloc (09022015). Collection method: clinical testing. Allele origin: germline.

GeneDx
Classification: Likely benign. Last evaluated: 2017-12-20. Review status: criteria provided, single submitter. Criteria: GeneDx Variant Classification (06012015). Collection method: clinical testing. Allele origin: germline. Affected: yes.
Comment: This variant is considered likely benign or benign based on one or more of the following criteria: it is a conservative change, it occurs at a poorly conserved position in the protein, it is predicted to be benign by multiple in silico algorithms, and/or has population frequency not consistent with disease.